The following is an entry in ClinVar:

NM_017633.3(TENT5A):c.464A>G (p.Gln155Arg)

Gene: TENT5A (terminal nucleotidyltransferase 5A; minus strand). Cytogenetic location: 6q14.1.
Variant type: single nucleotide variant.
Coding change: c.464A>G on transcript NM_017633.3 (MANE Select); coding-DNA position 464, A replaced by G.
Protein change: p.Gln155Arg; replaces glutamine 155 with arginine.
Molecular consequence: missense variant.
Genome position (GRCh38, 1-based): chr6:81,751,678, T>C on the plus strand (A>G on the coding strand, the complement: TENT5A is on the minus strand). VCF-style: chr6-81751678-T-C. GRCh37 (hg19) VCF-style: chr6-82461395-T-C.
Other names: short protein forms Q155R.
Identifiers: ClinVar variation 2802771 (VCV002802771.3), dbSNP rs2481782058, ClinGen allele CA365033871.

ClinVar aggregate classification (germline): Uncertain significance (1 of 4 stars; one submission).

Submission:

Labcorp Genetics (formerly Invitae), Labcorp
Classification: Uncertain significance. Last evaluated: 2022-10-14. Review status: criteria provided, single submitter. Criteria: Invitae Variant Classification Sherloc (09022015). Collection method: clinical testing. Allele origin: germline.
Comment: In summary, the available evidence is currently insufficient to determine the role of this variant in disease. Therefore, it has been classified as a Variant of Uncertain Significance. Advanced modeling of protein sequence and biophysical properties (such as structural, functional, and spatial information, amino acid conservation, physicochemical variation, residue mobility, and thermodynamic stability) performed at Invitae indicates that this missense variant is not expected to disrupt FAM46A protein function. This variant has not been reported in the literature in individuals affected with FAM46A-related conditions. This variant is not present in population databases (gnomAD no frequency). This sequence change replaces glutamine, which is neutral and polar, with arginine, which is basic and polar, at codon 155 of the FAM46A protein (p.Gln155Arg).